The following is an entry in ClinVar:

ClinVar aggregate classification (germline): Benign (0 of 4 stars; one submission).

Conditions:
EXO1-related disorder. Also called: EXO1-related condition.

Allele frequency attached by ClinVar (database versions not stated): ESP Exome Variant Server 0.00692; 1000 Genomes Project 30x 0.01858; 1000 Genomes Project 0.01937.
gnomAD v4.1: 14,441 of 1,608,742 alleles (0.9%); highest among the groups gnomAD compares: South Asian, 5.6%; 238 homozygotes.

Submission:

PreventionGenetics, part of Exact Sciences
Classification: Benign for EXO1-related condition. Last evaluated: 2019-03-21. Review status: no assertion criteria provided. Collection method: clinical testing. Allele origin: germline.
Comment: This variant is classified as benign based on ACMG/AMP sequence variant interpretation guidelines (Richards et al. 2015 PMID: 25741868, with internal and published modifications).

NM_130398.4(EXO1):c.1918C>T (p.Pro640Ser)

Gene: EXO1 (exonuclease 1; plus strand). Cytogenetic location: 1q43.
Variant type: single nucleotide variant.
Coding change: c.1918C>T on transcript NM_130398.4 (MANE Select); coding-DNA position 1918, C replaced by T.
Protein change: p.Pro640Ser; replaces proline 640 with serine.
Molecular consequence: missense variant.
Genome position (GRCh38, 1-based): chr1:241,879,152, C>T. VCF-style: chr1-241879152-C-T. GRCh37 (hg19) VCF-style: chr1-242042454-C-T.
Other names: c.1915C>T, p.Pro639Ser (NM_001319224.2); c.1918C>T, p.Pro640Ser (NM_003686.4, NM_006027.4); short protein forms P639S, P640S.
Identifiers: ClinVar variation 3037353 (VCV003037353.2), dbSNP rs61736331, ClinGen allele CA1481469.
Genomic context (GRCh38, chr1:241,879,152, plus strand): 5'-AGAACGCCGAGCCCCTCTCCAAGCACAGCATTGCAGCAGTTCCGAAGAAAGAGCGATTCC[C>T]CCACCTCTTTGCCTGAGAATAATATGTCTGATGTGTCGCAGTTAAAGAGCGAGGAGTCCA-3'
Protein context (NP_569082.2, residues 630-650): LQQFRRKSDS[Pro640Ser]TSLPENNMSD